The following is an entry in ClinVar:

ClinVar aggregate classification (germline): Likely benign. Review status: criteria provided, multiple submitters, no conflicts (2 of 4 stars). 2 submissions from 2 submitters: Likely benign (2). Last evaluated 2025-11-01.

gnomAD v4.1: 1 of 1,613,944 alleles (0.000062%); highest among the groups gnomAD compares: Non-Finnish European, 0.000085%; no homozygotes.

Submissions (2):

CeGaT Center for Human Genetics Tuebingen
Classification: Likely benign. Last evaluated: 2025-11-01. Review status: criteria provided, single submitter. Criteria: CeGaT Center For Human Genetics Tuebingen Variant Classification Criteria Version 2. Collection method: clinical testing. Allele origin: germline. Affected: yes. Observed: 1 variant allele.
Comment: TET2: BP4, BP7

Ambry Genetics
Classification: Likely benign. Last evaluated: 2025-04-13. Review status: criteria provided, single submitter. Criteria: Ambry Variant Classification Scheme 2023. Collection method: clinical testing. Allele origin: germline.

NM_001127208.3(TET2):c.1725G>T (p.Ala575=)

Genes: TET2 (tet methylcytosine dioxygenase 2; plus strand), TET2-AS1 (TET2 antisense RNA 1; minus strand). Cytogenetic location: 4q24.
Variant type: single nucleotide variant.
Coding change: c.1725G>T on transcript NM_001127208.3 (MANE Select); coding-DNA position 1725, G replaced by T.
Protein change: p.Ala575=; no amino-acid change (alanine 575 retained).
Molecular consequence: synonymous variant.
Genome position (GRCh38, 1-based): chr4:105,235,667, G>T. VCF-style: chr4-105235667-G-T. GRCh37 (hg19) VCF-style: chr4-106156824-G-T.
Other names: c.1725G>T, p.Ala575= (NM_017628.4).
Identifiers: ClinVar variation 3967562 (VCV003967562.7).